The following is an entry in ClinVar:

NM_001127178.3(PIGG):c.1253C>T (p.Thr418Met)

Gene: PIGG (phosphatidylinositol glycan anchor biosynthesis class G (EMM blood group); plus strand). Cytogenetic location: 4p16.3.
Variant type: single nucleotide variant.
Coding change: c.1253C>T on transcript NM_001127178.3 (MANE Select); coding-DNA position 1253, C replaced by T.
Protein change: p.Thr418Met; replaces threonine 418 with methionine.
Molecular consequence: missense variant. On other transcripts: 5 prime UTR variant (2), non-coding transcript variant (10), intron variant (1).
Genome position (GRCh38, 1-based): chr4:521,194, C>T. VCF-style: chr4-521194-C-T. GRCh37 (hg19) VCF-style: chr4-514983-C-T.
Other names: c.986C>T, p.Thr329Met (NM_001289051.2, NM_001289053.2, NM_001345986.2 and 1 more transcripts); c.854C>T, p.Thr285Met (NM_001289052.2); c.887C>T, p.Thr296Met (NM_001289055.2); c.224C>T, p.Thr75Met (NM_001345988.2); c.1253C>T, p.Thr418Met (NM_001345989.2, NM_017733.5); c.-235C>T (NM_001345990.2, NM_001345991.2); c.179C>T, p.Thr60Met (NM_001345994.2); c.848-466C>T (NM_001289057.2); short protein forms T418M, T285M, T60M, T296M, T329M, T75M.
Identifiers: ClinVar variation 583350 (VCV000583350.10), dbSNP rs144656165, ClinGen allele CA2793254.
Genomic context (GRCh38, chr4:521,194, plus strand): 5'-CAGAAGTCCTATTCAACCTGGGCTCCAAGGTTCTCAGGCAGTACCTGGATGCTCTGAAGA[C>T]GCTGAGCTTGTCCCTGAGTGCACAAGTGGCCCAGTACGACATCTATTCGATGATGGTGGG-3'
Protein context (NP_001120650.1, residues 408-428): VLRQYLDALK[Thr418Met]LSLSLSAQVA

ClinVar aggregate classification (germline): Uncertain significance. Review status: criteria provided, multiple submitters, no conflicts (2 of 4 stars). 2 submissions from 2 submitters: Uncertain significance (2). Last evaluated 2025-06-28.

Conditions:
Intellectual disability, autosomal recessive 53 (NEDHSCA). Also called: GLYCOSYLPHOSPHATIDYLINOSITOL BIOSYNTHESIS DEFECT 13; Mental retardation, autosomal recessive 53; NEURODEVELOPMENTAL DISORDER WITH OR WITHOUT HYPOTONIA, SEIZURES, AND CEREBELLAR ATROPHY. Identifiers: Orphanet 488635, MedGen C4310794, MONDO:0014832, OMIM 616917.

Allele frequency attached by ClinVar (database versions not stated): gnomAD exomes 0.00003 and 0.00004; ExAC 0.00004; gnomAD 0.00005 and 0.00007; TOPMed 0.00005; ESP Exome Variant Server 0.00008.
gnomAD v4.1: 47 of 1,613,908 alleles (0.0029%); highest among the groups gnomAD compares: African/African-American, 0.008%; no homozygotes.

Submissions (2):

GeneDx
Classification: Uncertain significance. Last evaluated: 2025-06-28. Review status: criteria provided, single submitter. Criteria: GeneDx Variant Classification Process June 2021. Collection method: clinical testing. Allele origin: germline.
Comment: In silico analysis supports that this missense variant has a deleterious effect on protein structure/function; Has not been previously published as pathogenic or benign to our knowledge

Labcorp Genetics (formerly Invitae), Labcorp
Classification: Uncertain significance for Intellectual disability, autosomal recessive 53. Last evaluated: 2024-09-13. Review status: criteria provided, single submitter. Criteria: Invitae Variant Classification Sherloc (09022015). Collection method: clinical testing. Allele origin: germline.
Comment: This sequence change replaces threonine, which is neutral and polar, with methionine, which is neutral and non-polar, at codon 418 of the PIGG protein (p.Thr418Met). This variant is present in population databases (rs144656165, gnomAD 0.02%). This variant has not been reported in the literature in individuals affected with PIGG-related conditions. ClinVar contains an entry for this variant (Variation ID: 583350). Invitae Evidence Modeling of protein sequence and biophysical properties (such as structural, functional, and spatial information, amino acid conservation, physicochemical variation, residue mobility, and thermodynamic stability) indicates that this missense variant is not expected to disrupt PIGG protein function with a negative predictive value of 80%. In summary, the available evidence is currently insufficient to determine the role of this variant in disease. Therefore, it has been classified as a Variant of Uncertain Significance.